The following is an entry in ClinVar:

NM_000219.6(KCNE1):c.80T>C (p.Met27Thr)

Gene: KCNE1 (potassium voltage-gated channel subfamily E regulatory subunit 1; minus strand). Cytogenetic location: 21q22.12.
Variant type: single nucleotide variant.
Coding change: c.80T>C on transcript NM_000219.6 (MANE Select); coding-DNA position 80, T replaced by C.
Protein change: p.Met27Thr; replaces methionine 27 with threonine.
Molecular consequence: missense variant.
Genome position (GRCh38, 1-based): chr21:34,449,555, A>G on the plus strand (T>C on the coding strand, the complement: KCNE1 is on the minus strand). VCF-style: chr21-34449555-A-G. GRCh37 (hg19) VCF-style: chr21-35821853-A-G.
Other names: c.80T>C, p.Met27Thr (NM_001127668.4, NM_001127669.4, NM_001127670.4 and 4 more transcripts); c.80T>C (NM_000219.3); short protein forms M27T.
Identifiers: ClinVar variation 1056763 (VCV001056763.11), dbSNP rs749957298, ClinGen allele CA320425503.
Genomic context (GRCh38, chr21:34,449,555, plus strand): 5'-ACGTAGAGGGCCTCCAGCTTGCCGTCACTGCTGCGGGGGGACCTGCGGGCCAGGCCCGAC[A>G]TGTTGCCACCCTGCTGAACTGTCTCCTGCCACAGCTTGGTCAGAAAGGGCGTCACCGCTG-3'
Protein context (NP_000210.2, residues 17-37): WQETVQQGGN[Met27Thr]SGLARRSPRS

ClinVar aggregate classification (germline): Uncertain significance. Review status: criteria provided, multiple submitters, no conflicts (2 of 4 stars). 3 submissions from 3 submitters: Uncertain significance (3). Last evaluated 2026-08-26.

Conditions:
Jervell and Lange-Nielsen syndrome 2 (JLNS2). Identifiers: Orphanet 768, Orphanet 90647, MedGen C2676723, MONDO:0012871, OMIM 612347.
Long QT syndrome 5 (LQT5). Identifiers: Orphanet 101016, Orphanet 768, MedGen C1867904, MONDO:0013372, OMIM 613695.
Long QT syndrome (LQTS). Identifiers: MedGen C0023976, MeSH D008133, MONDO:0002442. Disease mechanism: loss of function. Inheritance: Various modes of inheritance.
Cardiovascular phenotype. Identifiers: MedGen CN230736.

Allele frequency attached by ClinVar (database versions not stated): gnomAD exomes 0.00002; ExAC 0.00002.

Submissions (4):

Ambry Genetics
Classification: Uncertain significance for Cardiovascular phenotype. Last evaluated: 2026-08-26. Review status: criteria provided, single submitter. Criteria: Ambry Variant Classification Scheme 2023. Collection method: clinical testing. Allele origin: germline.
Comment: The p.M27T variant (also known as c.80T>C), located in coding exon 1 of the KCNE1 gene, results from a T to C substitution at nucleotide position 80. The methionine at codon 27 is replaced by threonine, an amino acid with similar properties. This amino acid position is poorly conserved in available vertebrate species. In addition, this alteration is predicted to be tolerated by in silico analysis. Based on the available evidence, the clinical significance of this variant remains unclear.

Labcorp Genetics (formerly Invitae), Labcorp
Classification: Uncertain significance for Long QT syndrome. Last evaluated: 2023-07-07. Review status: criteria provided, single submitter. Criteria: Invitae Variant Classification Sherloc (09022015). Collection method: clinical testing. Allele origin: germline.
Comment: In summary, the available evidence is currently insufficient to determine the role of this variant in disease. Therefore, it has been classified as a Variant of Uncertain Significance. Advanced modeling of protein sequence and biophysical properties (such as structural, functional, and spatial information, amino acid conservation, physicochemical variation, residue mobility, and thermodynamic stability) performed at Invitae indicates that this missense variant is not expected to disrupt KCNE1 protein function. ClinVar contains an entry for this variant (Variation ID: 1056763). This variant has not been reported in the literature in individuals affected with KCNE1-related conditions. This variant is present in population databases (rs749957298, gnomAD 0.02%). This sequence change replaces methionine, which is neutral and non-polar, with threonine, which is neutral and polar, at codon 27 of the KCNE1 protein (p.Met27Thr).

Fulgent Genetics
Classification: Uncertain significance for Jervell and Lange-Nielsen syndrome 2; Long QT syndrome 5. Last evaluated: 2021-09-01. Review status: criteria provided, single submitter. Criteria: ACMG Guidelines, 2015. Collection method: clinical testing. Allele origin: unknown.

Roden Lab, Vanderbilt University Medical Center
No classification provided (evidence only). Condition: Long QT syndrome 5. Review status: no classification provided. Collection method: in vitro. Allele origin: not applicable. Functional consequence: Effect on ion channel function. Not counted in ClinVar's aggregate classification.
ClinVar note: "not provided" was previously submitted as the classification for the variant. However, the classification appeared to be based only on an observation of functional data so it was converted to no classification on 2025-07-30.